The following is an entry in ClinVar:

ClinVar aggregate classification (germline): Benign/Likely benign. Review status: criteria provided, multiple submitters, no conflicts (2 of 4 stars). 26 submissions from 19 submitters: Benign (16); Likely benign (6). 4 of the submissions do not count toward it. Last evaluated 2026-02-03.

Conditions:
Cardiovascular phenotype. Identifiers: MedGen CN230736.
Ventricular fibrillation. Identifiers: MedGen C0042510, MONDO:0000190, HP:0001663.
Cardiomyopathy (CMYO). Also called: Cardiomyopathies. Identifiers: Orphanet 167848, MedGen C0878544, MONDO:0004994, HP:0001638. Inheritance: Various modes of inheritance.
Dilated cardiomyopathy 1G (CMD1G). Identifiers: Orphanet 154, MedGen C1858763, MONDO:0011400, OMIM 604145.
Autosomal recessive limb-girdle muscular dystrophy type 2J (LGMDR10). Also called: MUSCULAR DYSTROPHY, LIMB-GIRDLE, AUTOSOMAL RECESSIVE 10; Limb-girdle muscular dystrophy, type 2J. Identifiers: Orphanet 140922, MedGen C1837342, MONDO:0012127, OMIM 608807.
Early-onset myopathy with fatal cardiomyopathy (CMYO5). Also called: CONGENITAL MYOPATHY 5 WITH CARDIOMYOPATHY; Salih Myopathy. Identifiers: Orphanet 289377, MedGen C2673677, MONDO:0012714, OMIM 611705. Disease mechanism: loss of function.
Tibial muscular dystrophy (TMD). Also called: Udd Distal Myopathy – Tibial Muscular Dystrophy; Tibial muscular dystrophy, tardive; UDD MYOPATHY. Identifiers: Orphanet 609, MedGen C1838244, MONDO:0010870, OMIM 600334.
Myopathy, myofibrillar, 9, with early respiratory failure (MFM9). Also called: Myopathy, distal, with early respiratory failure, autosomal dominant; Hereditary myopathy with early respiratory failure; MYOPATHY, PROXIMAL, WITH EARLY RESPIRATORY MUSCLE INVOLVEMENT; EDSTROM MYOPATHY. Identifiers: Orphanet 178464, Orphanet 34521, MedGen C1863599, MONDO:0011362, OMIM 603689.

Allele frequency attached by ClinVar (database versions not stated): gnomAD exomes 0.00203; 1000 Genomes Project 30x 0.00765; gnomAD 0.00845 and 0.00909; ExAC 0.00241; ESP Exome Variant Server 0.00872; 1000 Genomes Project 0.00759; TOPMed 0.00965.
gnomAD v4.1: 2,501 of 1,613,738 alleles (0.15%); highest among the groups gnomAD compares: African/African-American, 3%; 52 homozygotes.

Submissions (26):

Labcorp Genetics (formerly Invitae), Labcorp
Classification: Benign for Dilated cardiomyopathy 1G; Autosomal recessive limb-girdle muscular dystrophy type 2J. Last evaluated: 2026-02-03. Review status: criteria provided, single submitter. Criteria: Invitae Variant Classification Sherloc (09022015). Collection method: clinical testing. Allele origin: germline.

ARUP Laboratories, Molecular Genetics and Genomics, ARUP Laboratories
Classification: Benign. Last evaluated: 2025-05-14. Review status: criteria provided, single submitter. Criteria: ARUP Molecular Germline Variant Investigation Process 2024. Collection method: clinical testing. Allele origin: germline.

Molecular Diagnostic Laboratory for Inherited Cardiovascular Disease, Montreal Heart Institute
Classification: Likely benign. Last evaluated: 2025-04-09. Review status: criteria provided, single submitter. Criteria: ACMG Guidelines, 2015. Collection method: clinical testing. Allele origin: germline. Affected: no.

Mayo Clinic Laboratories, Mayo Clinic
Classification: Benign. Last evaluated: 2024-08-12. Review status: criteria provided, single submitter. Criteria: ACMG Guidelines, 2015. Collection method: clinical testing. Allele origin: germline. Observed: 13 variant alleles.
Comment: BA1, BS2, BP4

Genome-Nilou Lab
Classification: Benign for Autosomal recessive limb-girdle muscular dystrophy type 2J. Last evaluated: 2021-09-10. Review status: criteria provided, single submitter. Criteria: ACMG Guidelines, 2015. Collection method: clinical testing. Allele origin: germline. Affected: no.

Genome-Nilou Lab
Classification: Benign for Myopathy, myofibrillar, 9, with early respiratory failure. Last evaluated: 2021-09-10. Review status: criteria provided, single submitter. Criteria: ACMG Guidelines, 2015. Collection method: clinical testing. Allele origin: germline. Affected: no.

Genome-Nilou Lab
Classification: Benign for Early-onset myopathy with fatal cardiomyopathy. Last evaluated: 2021-09-10. Review status: criteria provided, single submitter. Criteria: ACMG Guidelines, 2015. Collection method: clinical testing. Allele origin: germline. Affected: no.

Genome-Nilou Lab
Classification: Benign for Tibial muscular dystrophy. Last evaluated: 2021-09-10. Review status: criteria provided, single submitter. Criteria: ACMG Guidelines, 2015. Collection method: clinical testing. Allele origin: germline. Affected: no.

Women's Health and Genetics/Laboratory Corporation of America, LabCorp
Classification: Likely benign. Last evaluated: 2020-08-24. Review status: criteria provided, single submitter. Criteria: LabCorp Variant Classification Summary - May 2015. Collection method: clinical testing. Allele origin: germline.

Athena Diagnostics
Classification: Benign. Last evaluated: 2020-02-18. Review status: criteria provided, single submitter. Criteria: Athena Diagnostics Criteria. Collection method: clinical testing. Allele origin: unknown.

Center for Advanced Laboratory Medicine, UC San Diego Health, University of California San Diego
Classification: Benign for Ventricular fibrillation; Cardiomyopathy. Last evaluated: 2019-05-20. Review status: criteria provided, single submitter. Criteria: ACMG Guidelines, 2015. Collection method: clinical testing. Allele origin: germline. Affected: yes. Observed: 4 variant alleles.

Illumina Laboratory Services, Illumina
Classification: Benign for Tibial muscular dystrophy. Last evaluated: 2018-01-13. Review status: criteria provided, single submitter. Criteria: ICSL Variant Classification Criteria 13 December 2019. Collection method: clinical testing. Allele origin: germline.
Comment: This variant was observed in the ICSL laboratory as part of a predisposition screen in an ostensibly healthy population. It had not been previously curated by ICSL or reported in the Human Gene Mutation Database (HGMD: prior to June 1st, 2018), and was therefore a candidate for classification through an automated scoring system. Utilizing variant allele frequency, disease prevalence and penetrance estimates, and inheritance mode, an automated score was calculated to assess if this variant is too frequent to cause the disease. Based on the score and internal cut-off values, a variant classified as benign is not then subjected to further curation. The score for this variant resulted in a classification of benign for this disease.

Illumina Laboratory Services, Illumina
Classification: Likely benign for Autosomal recessive limb-girdle muscular dystrophy type 2J. Last evaluated: 2018-01-13. Review status: criteria provided, single submitter. Criteria: ICSL Variant Classification Criteria 13 December 2019. Collection method: clinical testing. Allele origin: germline.
Comment: This variant was observed in the ICSL laboratory as part of a predisposition screen in an ostensibly healthy population. It had not been previously curated by ICSL or reported in the Human Gene Mutation Database (HGMD: prior to June 1st, 2018), and was therefore a candidate for classification through an automated scoring system. Utilizing variant allele frequency, disease prevalence and penetrance estimates, and inheritance mode, an automated score was calculated to assess if this variant is too frequent to cause the disease. Based on the score and internal cut-off values, a variant classified as likely benign is not then subjected to further curation. The score for this variant resulted in a classification of likely benign for this disease.

Illumina Laboratory Services, Illumina
Classification: Likely benign for Dilated cardiomyopathy 1G. Last evaluated: 2018-01-13. Review status: criteria provided, single submitter. Criteria: ICSL Variant Classification Criteria 13 December 2019. Collection method: clinical testing. Allele origin: germline.
Comment: the same text as in the submission from Illumina Laboratory Services, Illumina above.

Illumina Laboratory Services, Illumina
Classification: Benign for Myopathy, myofibrillar, 9, with early respiratory failure. Last evaluated: 2018-01-13. Review status: criteria provided, single submitter. Criteria: ICSL Variant Classification Criteria 13 December 2019. Collection method: clinical testing. Allele origin: germline.
Comment: the same text as in the submission from Illumina Laboratory Services, Illumina above.

Illumina Laboratory Services, Illumina
Classification: Likely benign for Early-onset myopathy with fatal cardiomyopathy. Last evaluated: 2018-01-13. Review status: criteria provided, single submitter. Criteria: ICSL Variant Classification Criteria 13 December 2019. Collection method: clinical testing. Allele origin: germline.
Comment: the same text as in the submission from Illumina Laboratory Services, Illumina above.

CHEO Genetics Diagnostic Laboratory, Children's Hospital of Eastern Ontario
Classification: Benign for Cardiomyopathy. Last evaluated: 2016-01-25. Review status: criteria provided, single submitter. Criteria: ACMG Guidelines, 2015. Collection method: clinical testing. Allele origin: germline. Study: Canadian Open Genetics Repository.

GeneDx
Classification: Benign. Last evaluated: 2014-03-27. Review status: criteria provided, single submitter. Criteria: GeneDx Variant Classification (06012015). Collection method: clinical testing. Allele origin: germline. Affected: yes.
Comment: This variant is considered likely benign or benign based on one or more of the following criteria: it is a conservative change, it occurs at a poorly conserved position in the protein, it is predicted to be benign by multiple in silico algorithms, and/or has population frequency not consistent with disease.

Biesecker Lab/Clinical Genomics Section, National Institutes of Health
Classification: Benign. Last evaluated: 2013-06-24. Review status: criteria provided, single submitter. Criteria: Ng et al. (Circ Cardiovasc Genet. 2013). Collection method: research. Allele origin: unknown. Observed: 4 variant alleles. Study: ClinSeq.
Comment: The study set was not selected for affection status in relation to any cancer. Pathogenicity categories were based on literature curation. See Pubmed ID:23861362 for details.

Medical sequencing

Ambry Genetics
Classification: Benign for Cardiovascular phenotype. Last evaluated: 2012-12-06. Review status: criteria provided, single submitter. Criteria: Ambry Autosomal Dominant and X-Linked criteria (10/2015). Collection method: clinical testing. Allele origin: germline. Observed: 1 variant allele.

Laboratory for Molecular Medicine, Mass General Brigham Personalized Medicine
Classification: Benign. Last evaluated: 2012-04-10. Review status: criteria provided, single submitter. Criteria: LMM Criteria. Collection method: clinical testing. Allele origin: germline. Observed: 19 variant alleles.
Comment: 2.6% (82/3172) of Afr American chrom in ESP

Breakthrough Genomics
Classification: Likely benign. Review status: criteria provided, single submitter. Criteria: ACMG Guidelines, 2015. Collection method: not provided. Allele origin: germline. Inheritance: Autosomal recessive inheritance. Affected: yes.

Clinical Genetics DNA and cytogenetics Diagnostics Lab, Erasmus MC, Erasmus Medical Center
Classification: Likely benign. Review status: no assertion criteria provided. Collection method: clinical testing. Allele origin: germline. Affected: yes. Study: VKGL Data-share Consensus. Not counted in ClinVar's aggregate classification.

Clinical Genetics, Academic Medical Center
Classification: Benign. Review status: no assertion criteria provided. Collection method: clinical testing. Allele origin: germline. Affected: yes. Study: VKGL Data-share Consensus. Not counted in ClinVar's aggregate classification.

Diagnostic Laboratory, Department of Genetics, University Medical Center Groningen
Classification: Likely benign. Review status: no assertion criteria provided. Collection method: clinical testing. Allele origin: germline. Affected: yes. Study: VKGL Data-share Consensus. Not counted in ClinVar's aggregate classification.

Joint Genome Diagnostic Labs from Nijmegen and Maastricht, Radboudumc and MUMC+
Classification: Benign. Review status: no assertion criteria provided. Collection method: clinical testing. Allele origin: germline. Affected: yes. Study: VKGL Data-share Consensus. Not counted in ClinVar's aggregate classification.

Literature cited by the submitters: PubMed 23861362 (cited by Athena Diagnostics).

NM_001267550.2(TTN):c.104377A>C (p.Met34793Leu)

Genes: TTN (titin; minus strand), TTN-AS1 (TTN antisense RNA 1; plus strand). Cytogenetic location: 2q31.2.
Variant type: single nucleotide variant.
Coding change: c.104377A>C on transcript NM_001267550.2 (MANE Select); coding-DNA position 104377, A replaced by C.
Protein change: p.Met34793Leu; replaces methionine 34793 with leucine.
Molecular consequence: missense variant.
Genome position (GRCh38, 1-based): chr2:178,532,238, T>G on the plus strand (A>C on the coding strand, the complement: TTN is on the minus strand). VCF-style: chr2-178532238-T-G. GRCh37 (hg19) VCF-style: chr2-179396965-T-G.
Other names: p.M33152L:ATG>CTG; c.77182A>C, p.Met25728Leu (NM_003319.4); c.96673A>C, p.Met32225Leu (NM_133378.4); c.77557A>C, p.Met25853Leu (NM_133432.3); c.77758A>C, p.Met25920Leu (NM_133437.4); c.99454A>C, p.Met33152Leu (NM_001256850.1); short protein forms M34793L, M32225L, M33152L, M25728L, M25853L, M25920L.
Identifiers: ClinVar variation 47670 (VCV000047670.48), dbSNP rs72629787, ClinGen allele CA284286.